The following is an entry in ClinVar:

NM_016252.4(BIRC6):c.13355+10A>G

Gene: BIRC6 (baculoviral IAP repeat containing 6; plus strand). Cytogenetic location: 2p22.3.
Variant type: single nucleotide variant.
Coding change: c.13355+10A>G on transcript NM_016252.4 (MANE Select); 10 bases into the intron after coding-DNA position 13355, A replaced by G.
Molecular consequence: intron variant.
Genome position (GRCh38, 1-based): chr2:32,575,376, A>G. VCF-style: chr2-32575376-A-G. GRCh37 (hg19) VCF-style: chr2-32800443-A-G.
Other names: c.13352+10A>G (NM_001378125.1).
Identifiers: ClinVar variation 725334 (VCV000725334.5), dbSNP rs769121041, ClinGen allele CA1605508.

ClinVar aggregate classification (germline): Likely benign. Review status: criteria provided, single submitter (1 of 4 stars). 2 submissions from 2 submitters: Likely benign (1). 1 of the submissions does not count toward it. Last evaluated 2017-12-14.

Conditions:
BIRC6-related disorder. Also called: BIRC6-related condition.

Allele frequency attached by ClinVar (database versions not stated): gnomAD 0.00001; gnomAD exomes 0.00001 and 0.00003; ExAC 0.00002; TOPMed 0.00003.
gnomAD v4.1: 10 of 1,610,086 alleles (0.00062%); highest among the groups gnomAD compares: Admixed American, 0.017%; no homozygotes.

Submissions (2):

Labcorp Genetics (formerly Invitae), Labcorp
Classification: Likely benign. Last evaluated: 2017-12-14. Review status: criteria provided, single submitter. Criteria: Invitae Variant Classification Sherloc (09022015). Collection method: clinical testing. Allele origin: germline.

PreventionGenetics, part of Exact Sciences
Classification: Likely benign for BIRC6-related condition. Last evaluated: 2019-08-13. Review status: no assertion criteria provided. Collection method: clinical testing. Allele origin: germline. Not counted in ClinVar's aggregate classification.
Comment: This variant is classified as likely benign based on ACMG/AMP sequence variant interpretation guidelines (Richards et al. 2015 PMID: 25741868, with internal and published modifications).